The following is an entry in ClinVar:

NM_000492.4(CFTR):c.4337G>A (p.Arg1446Lys)

Genes: CFTR (CF transmembrane conductance regulator; plus strand), LOC111674477 (CFTR intron 23 enhancer; plus strand). Cytogenetic location: 7q31.2.
Variant type: single nucleotide variant.
Coding change: c.4337G>A on transcript NM_000492.4 (MANE Select); coding-DNA position 4337, G replaced by A.
Protein change: p.Arg1446Lys; replaces arginine 1446 with lysine.
Molecular consequence: missense variant.
Genome position (GRCh38, 1-based): chr7:117,667,002, G>A. VCF-style: chr7-117667002-G-A. GRCh37 (hg19) VCF-style: chr7-117307056-G-A.
Other names: short protein forms R1446K.
Identifiers: ClinVar variation 3344613 (VCV003344613.1).

ClinVar aggregate classification (germline): Uncertain significance (0 of 4 stars; one submission).

Conditions:
CFTR-related disorder (CFTR-RD). Also called: CFTR-related disorders; CFTR-related condition. Identifiers: MedGen C5924204, MONDO:7770004.

gnomAD v4.1: 3 of 1,613,958 alleles (0.00019%); highest among the groups gnomAD compares: South Asian, 0.0011%; no homozygotes.

Submission:

PreventionGenetics, part of Exact Sciences
Classification: Uncertain significance for CFTR-related condition. Last evaluated: 2024-05-21. Review status: no assertion criteria provided. Collection method: clinical testing. Allele origin: germline.
Comment: The CFTR c.4337G>A variant is predicted to result in the amino acid substitution p.Arg1446Lys. To our knowledge, this variant has not been reported in the literature or in a large population database, indicating this variant is rare. At this time, the clinical significance of this variant is uncertain due to the absence of conclusive functional and genetic evidence.